The following is an entry in ClinVar:

ClinVar aggregate classification (germline): Uncertain significance. Review status: criteria provided, multiple submitters, no conflicts (2 of 4 stars). 2 submissions from 2 submitters: Uncertain significance (2). Last evaluated 2022-07-01.

Conditions:
Genitopatellar syndrome (GTPTS). Also called: ABSENT PATELLAE, SCROTAL HYPOPLASIA, RENAL ANOMALIES, FACIAL DYSMORPHISM, AND MENTAL RETARDATION; Genitopatellar syndrome (GPS). Identifiers: Orphanet 85201, MedGen C1853566, MONDO:0011640, OMIM 606170.

Submissions (2):

CeGaT Center for Human Genetics Tuebingen
Classification: Uncertain significance. Last evaluated: 2022-07-01. Review status: criteria provided, single submitter. Criteria: CeGaT Center For Human Genetics Tuebingen Variant Classification Criteria Version 2. Collection method: clinical testing. Allele origin: germline. Affected: yes. Observed: 1 variant allele.
Comment: KAT6B: PM2

Labcorp Genetics (formerly Invitae), Labcorp
Classification: Uncertain significance for Genitopatellar syndrome. Last evaluated: 2022-01-11. Review status: criteria provided, single submitter. Criteria: Invitae Variant Classification Sherloc (09022015). Collection method: clinical testing. Allele origin: germline.
Comment: This variant has not been reported in the literature in individuals affected with KAT6B-related conditions. In summary, the available evidence is currently insufficient to determine the role of this variant in disease. Therefore, it has been classified as a Variant of Uncertain Significance. Algorithms developed to predict the effect of missense changes on protein structure and function are either unavailable or do not agree on the potential impact of this missense change (SIFT: "Tolerated"; PolyPhen-2: "Probably Damaging"; Align-GVGD: "Class C0"). This variant is not present in population databases (gnomAD no frequency). This sequence change replaces glutamine, which is neutral and polar, with arginine, which is basic and polar, at codon 1580 of the KAT6B protein (p.Gln1580Arg).

NM_012330.4(KAT6B):c.4739A>G (p.Gln1580Arg)

Gene: KAT6B (lysine acetyltransferase 6B; plus strand). Cytogenetic location: 10q22.2.
Variant type: single nucleotide variant.
Coding change: c.4739A>G on transcript NM_012330.4 (MANE Select); coding-DNA position 4739, A replaced by G.
Protein change: p.Gln1580Arg; replaces glutamine 1580 with arginine.
Molecular consequence: missense variant.
Genome position (GRCh38, 1-based): chr10:75,029,563, A>G. VCF-style: chr10-75029563-A-G. GRCh37 (hg19) VCF-style: chr10-76789321-A-G.
Other names: c.4190A>G, p.Gln1397Arg (NM_001256468.2, NM_001370138.1); c.3863A>G, p.Gln1288Arg (NM_001256469.2, NM_001370139.1, NM_001370140.1 and 2 more transcripts); c.3701A>G, p.Gln1234Arg (NM_001370132.1); c.3050A>G, p.Gln1017Arg (NM_001370133.1); c.2654A>G, p.Gln885Arg (NM_001370134.1); c.2396A>G, p.Gln799Arg (NM_001370135.1); c.4739A>G, p.Gln1580Arg (NM_001370136.1, NM_001370137.1); c.3674A>G, p.Gln1225Arg (NM_001370143.1, NM_001370144.1); short protein forms Q1017R, Q1225R, Q1288R, Q1397R, Q799R, Q885R, Q1234R, Q1580R.
Identifiers: ClinVar variation 2057614 (VCV002057614.28), dbSNP rs2549205395, ClinGen allele CA377298538.
Genomic context (GRCh38, chr10:75,029,563, plus strand): 5'-AGGATTGTGCCGAGACTCAAGAGGCCTGTAGAAGCCTACAGAACTACACCCGTGCAGACC[A>G]AAGTCCACAGATTGCCACCACGCTCGACGATTGCCAACAGTCGGACCACAGTAGCCCAGT-3'
Protein context (NP_036462.2, residues 1570-1590): RSLQNYTRAD[Gln1580Arg]SPQIATTLDD